The following is an entry in ClinVar:

ClinVar aggregate classification (germline): Pathogenic (1 of 4 stars; one submission).

Conditions:
Tuberous sclerosis 1 (TSC1). Identifiers: Orphanet 805, MedGen C1854465, MONDO:0008612, OMIM 191100.

Submission:

Labcorp Genetics (formerly Invitae), Labcorp
Classification: Pathogenic for Tuberous sclerosis 1. Last evaluated: 2019-09-14. Review status: criteria provided, single submitter. Criteria: Invitae Variant Classification Sherloc (09022015). Collection method: clinical testing. Allele origin: germline.
Comment: This sequence change creates a premature translational stop signal (p.Leu233*) in the TSC1 gene. It is expected to result in an absent or disrupted protein product. This variant is not present in population databases (ExAC no frequency). This variant has not been reported in the literature in individuals with TSC1-related conditions. Loss-of-function variants in TSC1 are known to be pathogenic (PMID: 10227394, 17304050). For these reasons, this variant has been classified as Pathogenic.

Literature cited by the submitters: PubMed 10227394; PubMed 17304050.

NM_000368.5(TSC1):c.698T>G (p.Leu233Ter)

Gene: TSC1 (TSC complex subunit 1; minus strand). Cytogenetic location: 9q34.13.
Variant type: single nucleotide variant.
Coding change: c.698T>G on transcript NM_000368.5 (MANE Select); coding-DNA position 698, T replaced by G.
Protein change: p.Leu233Ter; replaces leucine 233 with a stop codon.
Molecular consequence: nonsense.
Genome position (GRCh38, 1-based): chr9:132,921,402, A>C on the plus strand (T>G on the coding strand, the complement: TSC1 is on the minus strand). VCF-style: chr9-132921402-A-C. GRCh37 (hg19) VCF-style: chr9-135796789-A-C.
Other names: c.698T>G, p.Leu233Ter (NM_001162426.2); c.545T>G, p.Leu182Ter (NM_001162427.2); c.335T>G, p.Leu112Ter (NM_001362177.2); short protein forms L233*, L112*, L182*.
Identifiers: ClinVar variation 939373 (VCV000939373.3), dbSNP rs1846545578, ClinGen allele CA375371373.